The following is an entry in ClinVar:

ClinVar aggregate classification (germline): Likely benign. Review status: criteria provided, single submitter (1 of 4 stars). 2 submissions from 2 submitters: Likely benign (1). 1 of the submissions does not count toward it. Last evaluated 2025-07-29.

Conditions:
TUBGCP6-related disorder. Also called: TUBGCP6-related condition.

Allele frequency attached by ClinVar (database versions not stated): gnomAD exomes below 0.00001; gnomAD 0.00001; TOPMed 0.00001.
gnomAD v4.1: 4 of 1,611,400 alleles (0.00025%); highest among the groups gnomAD compares: East Asian, 0.0022%; no homozygotes.

Submissions (2):

Labcorp Genetics (formerly Invitae), Labcorp
Classification: Likely benign. Last evaluated: 2025-07-29. Review status: criteria provided, single submitter. Criteria: Invitae Variant Classification Sherloc (09022015). Collection method: clinical testing. Allele origin: germline.

PreventionGenetics, part of Exact Sciences
Classification: Likely benign for TUBGCP6-related condition. Last evaluated: 2019-03-22. Review status: no assertion criteria provided. Collection method: clinical testing. Allele origin: germline. Not counted in ClinVar's aggregate classification.
Comment: This variant is classified as likely benign based on ACMG/AMP sequence variant interpretation guidelines (Richards et al. 2015 PMID: 25741868, with internal and published modifications).

NM_020461.4(TUBGCP6):c.4168-10G>A

Gene: TUBGCP6 (tubulin gamma complex component 6; minus strand). Cytogenetic location: 22q13.33.
Variant type: single nucleotide variant.
Coding change: c.4168-10G>A on transcript NM_020461.4 (MANE Select); 10 bases into the intron before coding-DNA position 4168, G replaced by A.
Molecular consequence: intron variant.
Genome position (GRCh38, 1-based): chr22:50,219,801, C>T on the plus strand (G>A on the coding strand, the complement: TUBGCP6 is on the minus strand). VCF-style: chr22-50219801-C-T. GRCh37 (hg19) VCF-style: chr22-50658230-C-T.
Other names: c.4168-10G>A (NM_020461.3).
Identifiers: ClinVar variation 998663 (VCV000998663.10), dbSNP rs1488279124, ClinGen allele CA754037799.